The following is an entry in ClinVar:

ClinVar aggregate classification (germline): Uncertain significance. Review status: criteria provided, multiple submitters, no conflicts (2 of 4 stars). 2 submissions from 2 submitters: Uncertain significance (2). Last evaluated 2025-03-26.

Conditions:
Alstrom syndrome (ALMS). Identifiers: Orphanet 64, MedGen C0268425, MONDO:0008763, OMIM 203800.
Cardiovascular phenotype. Identifiers: MedGen CN230736.

Allele frequency attached by ClinVar (database versions not stated): gnomAD exomes below 0.00001; TOPMed below 0.00001; ExAC 0.00001.
gnomAD v4.1: 1 of 1,614,102 alleles (0.000062%); highest among the groups gnomAD compares: Non-Finnish European, 0.000085%; no homozygotes.

Submissions (2):

Ambry Genetics
Classification: Uncertain significance for Cardiovascular phenotype. Last evaluated: 2025-03-26. Review status: criteria provided, single submitter. Criteria: Ambry Variant Classification Scheme 2023. Collection method: clinical testing. Allele origin: germline.
Comment: The p.L3630P variant (also known as c.10889T>C), located in coding exon 16 of the ALMS1 gene, results from a T to C substitution at nucleotide position 10889. The leucine at codon 3630 is replaced by proline, an amino acid with similar properties. This amino acid position is highly conserved in available vertebrate species. In addition, this alteration is predicted to be deleterious by in silico analysis. Since supporting evidence is limited at this time, the clinical significance of this alteration remains unclear.

Labcorp Genetics (formerly Invitae), Labcorp
Classification: Uncertain significance for Alstrom syndrome. Last evaluated: 2022-08-22. Review status: criteria provided, single submitter. Criteria: Invitae Variant Classification Sherloc (09022015). Collection method: clinical testing. Allele origin: germline.
Comment: This sequence change replaces leucine, which is neutral and non-polar, with proline, which is neutral and non-polar, at codon 3630 of the ALMS1 protein (p.Leu3630Pro). This variant is present in population databases (rs773869122, gnomAD 0.002%). This variant has not been reported in the literature in individuals affected with ALMS1-related conditions. Experimental studies and prediction algorithms are not available or were not evaluated, and the functional significance of this variant is currently unknown. In summary, the available evidence is currently insufficient to determine the role of this variant in disease. Therefore, it has been classified as a Variant of Uncertain Significance.

NM_001378454.1(ALMS1):c.10886T>C (p.Leu3629Pro)

Gene: ALMS1 (ALMS1 centrosome and basal body associated protein; plus strand). Cytogenetic location: 2p13.1.
Variant type: single nucleotide variant.
Coding change: c.10886T>C on transcript NM_001378454.1 (MANE Select); coding-DNA position 10886, T replaced by C.
Protein change: p.Leu3629Pro; replaces leucine 3629 with proline.
Molecular consequence: missense variant.
Genome position (GRCh38, 1-based): chr2:73,572,763, T>C. VCF-style: chr2-73572763-T-C. GRCh37 (hg19) VCF-style: chr2-73799890-T-C.
Other names: c.10889T>C, p.Leu3630Pro (NM_015120.4); short protein forms L3629P, L3630P.
Identifiers: ClinVar variation 1788119 (VCV001788119.5), dbSNP rs773869122, ClinGen allele CA1715083.
Genomic context (GRCh38, chr2:73,572,763, plus strand): 5'-AGAGGCAACAGAGACAGCCTGAGTTGGGTGACAGGAAAGAACTGTCCTTGGTGGACCGAC[T>C]TGATCGTTTGGCTAAAATTCTTCAGAATCCAATCACACATTCTCTCCAGGTCTCAGAAAG-3'
Protein context (NP_001365383.1, residues 3619-3639): DRKELSLVDR[Leu3629Pro]DRLAKILQNP